The following is an entry in ClinVar:

ClinVar aggregate classification (germline): Uncertain significance (1 of 4 stars; one submission).

Allele frequency attached by ClinVar (database versions not stated): gnomAD exomes below 0.00001.
gnomAD v4.1: 5 of 1,614,186 alleles (0.00031%); highest among the groups gnomAD compares: East Asian, 0.0067%; no homozygotes.

Submission:

Labcorp Genetics (formerly Invitae), Labcorp
Classification: Uncertain significance. Last evaluated: 2023-06-16. Review status: criteria provided, single submitter. Criteria: Invitae Variant Classification Sherloc (09022015). Collection method: clinical testing. Allele origin: germline.
Comment: In summary, the available evidence is currently insufficient to determine the role of this variant in disease. Therefore, it has been classified as a Variant of Uncertain Significance. Variants that disrupt the consensus splice site are a relatively common cause of aberrant splicing (PMID: 17576681, 9536098). Algorithms developed to predict the effect of sequence changes on RNA splicing suggest that this variant may disrupt the consensus splice site. This variant has not been reported in the literature in individuals affected with HPS5-related conditions. This variant is present in population databases (no rsID available, gnomAD 0.01%). This sequence change falls in intron 22 of the HPS5 gene. It does not directly change the encoded amino acid sequence of the HPS5 protein. It affects a nucleotide within the consensus splice site.

Literature cited by the submitters: PubMed 17576681; PubMed 9536098.

NM_181507.2(HPS5):c.3329+3A>G

Gene: HPS5 (HPS5 biogenesis of lysosomal organelles complex 2 subunit 2; minus strand). Cytogenetic location: 11p15.1.
Variant type: single nucleotide variant.
Coding change: c.3329+3A>G on transcript NM_181507.2 (MANE Select); 3 bases into the intron after coding-DNA position 3329, A replaced by G.
Molecular consequence: intron variant.
Genome position (GRCh38, 1-based): chr11:18,281,947, T>C on the plus strand (A>G on the coding strand, the complement: HPS5 is on the minus strand). VCF-style: chr11-18281947-T-C. GRCh37 (hg19) VCF-style: chr11-18303494-T-C.
Other names: c.2915+3A>G (NM_001440929.1, NM_001440928.1, NM_001440927.1); c.2987+3A>G (NM_181508.2, NM_001440921.1, NM_001440926.1 and 5 more transcripts); c.3218+3A>G (NM_001440915.1, NM_001440914.1, NM_001440913.1); c.2474+3A>G (NM_001440931.1); c.3173+3A>G (NM_001440917.1); c.3329+3A>G (NM_001440906.1, NM_001440905.1, NM_001440903.1 and 1 more transcripts); c.3254+3A>G (NM_001440907.1, NM_001440909.1, NM_001440908.1); c.2867+3A>G (NM_001440930.1); and 5 more.
Identifiers: ClinVar variation 2767081 (VCV002767081.1), dbSNP rs994281363, ClinGen allele CA218575202.
Genomic context (GRCh38, chr11:18,281,947, plus strand): 5'-GAAAGTCTGTGGCCTTCTACCTTCTCCAAGCACTATGCAGAGGGTAGGACAAACTGATAT[T>C]ACCTCTGCCTTTTCTCAGCAATCCTCAGGATATCGCAGGTTCTGGTAAACTTCTCTGACA-3'